The following is an entry in ClinVar:

NM_001267550.2(TTN):c.99487G>T (p.Glu33163Ter)

Genes: TTN (titin; minus strand), TTN-AS1 (TTN antisense RNA 1; plus strand). Cytogenetic location: 2q31.2.
Variant type: single nucleotide variant.
Coding change: c.99487G>T on transcript NM_001267550.2 (MANE Select); coding-DNA position 99487, G replaced by T.
Protein change: p.Glu33163Ter; replaces glutamic acid 33163 with a stop codon.
Molecular consequence: nonsense.
Genome position (GRCh38, 1-based): chr2:178,537,720, C>A on the plus strand (G>T on the coding strand, the complement: TTN is on the minus strand). VCF-style: chr2-178537720-C-A. GRCh37 (hg19) VCF-style: chr2-179402447-C-A.
Other names: c.94564G>T, p.Glu31522Ter (NM_001256850.1); c.72292G>T, p.Glu24098Ter (NM_003319.4); c.91783G>T, p.Glu30595Ter (NM_133378.4); c.72667G>T, p.Glu24223Ter (NM_133432.3); c.72868G>T, p.Glu24290Ter (NM_133437.4); short protein forms E24098*, E24223*, E24290*, E31522*, E30595*, E33163*.
Identifiers: ClinVar variation 2951808 (VCV002951808.3), dbSNP rs2468682008, ClinGen allele CA349428249.

ClinVar aggregate classification (germline): Likely pathogenic (1 of 4 stars; one submission).

Conditions:
Dilated cardiomyopathy 1G (CMD1G). Identifiers: Orphanet 154, MedGen C1858763, MONDO:0011400, OMIM 604145.
Autosomal recessive limb-girdle muscular dystrophy type 2J (LGMDR10). Also called: Limb-girdle muscular dystrophy, type 2J; MUSCULAR DYSTROPHY, LIMB-GIRDLE, AUTOSOMAL RECESSIVE 10. Identifiers: Orphanet 140922, MedGen C1837342, MONDO:0012127, OMIM 608807.

Allele frequency attached by ClinVar (database versions not stated): gnomAD exomes below 0.00001.
gnomAD v4.1: 1 of 1,613,798 alleles (0.000062%); highest among the groups gnomAD compares: Non-Finnish European, 0.000085%; no homozygotes.

Submission:

Labcorp Genetics (formerly Invitae), Labcorp
Classification: Likely pathogenic for Dilated cardiomyopathy 1G; Autosomal recessive limb-girdle muscular dystrophy type 2J. Last evaluated: 2024-01-16. Review status: criteria provided, single submitter. Criteria: Invitae Variant Classification Sherloc (09022015). Collection method: clinical testing. Allele origin: germline.
Comment: This sequence change creates a premature translational stop signal (p.Glu33163*) in the TTN gene. While this is not anticipated to result in nonsense mediated decay, it is expected to create a truncated TTN protein. This variant is not present in population databases (gnomAD no frequency). This variant has not been reported in the literature in individuals affected with TTN-related conditions. This variant is located in the A band of TTN (PMID: 25589632). Truncating variants in this region are significantly overrepresented in patients affected with dilated cardiomyopathy (PMID: 25589632). Truncating variants in this region have also been reported in individuals affected with autosomal recessive centronuclear myopathy (PMID: 23975875). In summary, the currently available evidence indicates that the variant is pathogenic, but additional data are needed to prove that conclusively. Therefore, this variant has been classified as Likely Pathogenic.

Literature cited by the submitters: PubMed 25589632; PubMed 23975875.